The following is an entry in ClinVar:

NM_000179.3(MSH6):c.2038G>C (p.Ala680Pro)

Gene: MSH6 (mutS homolog 6; plus strand). Cytogenetic location: 2p16.3.
Variant type: single nucleotide variant.
Coding change: c.2038G>C on transcript NM_000179.3 (MANE Select); coding-DNA position 2038, G replaced by C.
Protein change: p.Ala680Pro; replaces alanine 680 with proline.
Molecular consequence: missense variant.
Genome position (GRCh38, 1-based): chr2:47,800,021, G>C. VCF-style: chr2-47800021-G-C. GRCh37 (hg19) VCF-style: chr2-48027160-G-C.
Other names: c.1648G>C, p.Ala550Pro (NM_001281492.2); c.2038G>C, p.Ala680Pro (NM_001406796.1, NM_001406798.1, NM_001406800.1 and 3 more transcripts); c.1741G>C, p.Ala581Pro (NM_001406797.1, NM_001406801.1, NM_001406805.1 and 10 more transcripts); c.1132G>C, p.Ala378Pro (NM_001281493.2, NM_001281494.2, NM_001406811.1 and 6 more transcripts); c.2134G>C, p.Ala712Pro (NM_001406795.1, NM_001406802.1); c.1513G>C, p.Ala505Pro (NM_001406799.1, NM_001406806.1, NM_001406807.1); c.1960G>C, p.Ala654Pro (NM_001406804.1); c.2044G>C, p.Ala682Pro (NM_001406813.1); and 1 more; short protein forms A378P, A505P, A550P, A581P, A624P, A654P, A680P, A682P.
Identifiers: ClinVar variation 2421160 (VCV002421160.9), dbSNP rs1572725427, ClinGen allele CA346750738.

ClinVar aggregate classification (germline): Uncertain significance. Review status: criteria provided, multiple submitters, no conflicts (2 of 4 stars). 3 submissions from 3 submitters: Uncertain significance (3). Last evaluated 2025-11-30.

Conditions:
Hereditary cancer-predisposing syndrome. Also called: Hereditary Cancer Syndrome; Tumor predisposition; Neoplastic Syndromes, Hereditary; Hereditary neoplastic syndrome. Identifiers: Orphanet 140162, MedGen C0027672, MeSH D009386, MONDO:0015356.
Hereditary nonpolyposis colorectal neoplasms. Identifiers: MedGen C0009405, MeSH D003123.
Lynch syndrome. Identifiers: Orphanet 144, MedGen C4552100, MONDO:0005835. Disease mechanism: loss of function.

Submissions (3):

Labcorp Genetics (formerly Invitae), Labcorp
Classification: Uncertain significance for Hereditary nonpolyposis colorectal neoplasms. Last evaluated: 2025-11-30. Review status: criteria provided, single submitter. Criteria: Invitae Variant Classification Sherloc (09022015). Collection method: clinical testing. Allele origin: germline.
Comment: This sequence change replaces alanine, which is neutral and non-polar, with proline, which is neutral and non-polar, at codon 680 of the MSH6 protein (p.Ala680Pro). This variant is not present in population databases (gnomAD no frequency). This variant has not been reported in the literature in individuals affected with MSH6-related conditions. ClinVar contains an entry for this variant (Variation ID: 2421160). Invitae Evidence Modeling of protein sequence and biophysical properties (such as structural, functional, and spatial information, amino acid conservation, physicochemical variation, residue mobility, and thermodynamic stability) has been performed for this missense variant. However, the output from this modeling did not meet the statistical confidence thresholds required to predict the impact of this variant on MSH6 protein function. In summary, the available evidence is currently insufficient to determine the role of this variant in disease. Therefore, it has been classified as a Variant of Uncertain Significance.

Ambry Genetics
Classification: Uncertain significance for Hereditary cancer-predisposing syndrome. Last evaluated: 2024-06-12. Review status: criteria provided, single submitter. Criteria: Ambry Variant Classification Scheme 2023. Collection method: clinical testing. Allele origin: germline.
Comment: The p.A680P variant (also known as c.2038G>C), located in coding exon 4 of the MSH6 gene, results from a G to C substitution at nucleotide position 2038. The alanine at codon 680 is replaced by proline, an amino acid with highly similar properties. This amino acid position is conserved. In addition, this alteration is predicted to be deleterious by in silico analysis. Based on the available evidence, the clinical significance of this variant remains unclear.

All of Us Research Program, National Institutes of Health
Classification: Uncertain significance for Lynch syndrome. Last evaluated: 2024-01-11. Review status: criteria provided, single submitter. Criteria: ACMG Guidelines, 2015. Collection method: clinical testing. Allele origin: germline. Inheritance: Autosomal dominant inheritance. Observed: 1 variant allele, 1 heterozygote.
Comment: This study involves interpretation of variants in research participants for the purpose of population health screening. Participant phenotype was not available at the time of variant classification. Additional details can be found in publication PMID: 35346344, PMCID: PMC8962531